The following is an entry in ClinVar:

NM_001370259.2(MEN1):c.1618C>T (p.Pro540Ser)

Gene: MEN1 (menin 1; minus strand). Cytogenetic location: 11q13.1.
Variant type: single nucleotide variant.
Coding change: c.1618C>T on transcript NM_001370259.2 (MANE Select); coding-DNA position 1618, C replaced by T.
Protein change: p.Pro540Ser; replaces proline 540 with serine.
Molecular consequence: missense variant.
Genome position (GRCh38, 1-based): chr11:64,804,549, G>A on the plus strand (C>T on the coding strand, the complement: MEN1 is on the minus strand). VCF-style: chr11-64804549-G-A. GRCh37 (hg19) VCF-style: chr11-64572021-G-A.
Other names: p.Pro540Ser; c.1744C>T, p.Pro582Ser (NM_001370251.2); c.1618C>T, p.Pro540Ser (NM_001370260.2, NM_001370261.2, NM_130799.3); c.1513C>T, p.Pro505Ser (NM_001370262.2, NM_001370263.2); c.1633C>T, p.Pro545Ser (NM_130800.3, NM_130801.3, NM_130802.3 and 3 more transcripts); short protein forms P540S, P545S, P505S, P582S.
Identifiers: ClinVar variation 200987 (VCV000200987.80), dbSNP rs745404679, ClinGen allele CA009233.
Genomic context (GRCh38, chr11:64,804,549, plus strand): 5'-CCTTCATCTTCTCACTCTGGAAAGTGAGCACTGGACCCTCCGGCGGTGGTGATGCTGTGG[G>A]TGCTGGCACCTGAGCCGTGCTGCCACCTTCAGGGCCTCGGGCTGTGCCAGCGACAGTCCC-3'
Protein context (NP_001357188.2, residues 530-550): EGGSTAQVPA[Pro540Ser]TASPPPEGPV

ClinVar aggregate classification (germline): Conflicting classifications of pathogenicity. Review status: criteria provided, conflicting classifications (1 of 4 stars). 16 submissions from 15 submitters: Uncertain significance (7); Likely benign (8). 1 of the submissions does not count toward it. Last evaluated 2026-02-04.

Conditions:
MEN1-related disorder. Also called: MEN1-related condition.
Hereditary cancer. Identifiers: MedGen C1333600.
Hyperparathyroidism. Identifiers: MedGen C0020502, MONDO:0001741, HP:0000843.
Hereditary cancer-predisposing syndrome. Also called: Neoplastic Syndromes, Hereditary; Tumor predisposition; Hereditary Cancer Syndrome; Hereditary neoplastic syndrome. Identifiers: Orphanet 140162, MedGen C0027672, MeSH D009386, MONDO:0015356.
Multiple endocrine neoplasia, type 1 (MEN1). Also called: Endocrine adenomatosis multiple; MEN 1; MEN I; WERMER SYNDROME; MEA I. Identifiers: Orphanet 652, MedGen C0025267, MeSH D018761, MONDO:0007540, OMIM 131100.

Allele frequency attached by ClinVar (database versions not stated): gnomAD 0.00012 and 0.00013; TOPMed 0.00020.
gnomAD v4.1: 115 of 1,613,574 alleles (0.0071%); highest among the groups gnomAD compares: Admixed American, 0.068%; 1 homozygote.

Submissions (16):

Labcorp Genetics (formerly Invitae), Labcorp
Classification: Likely benign for Multiple endocrine neoplasia, type 1. Last evaluated: 2026-02-04. Review status: criteria provided, single submitter. Criteria: Invitae Variant Classification Sherloc (09022015). Collection method: clinical testing. Allele origin: germline.

Women's Health and Genetics/Laboratory Corporation of America, LabCorp
Classification: Likely benign. Last evaluated: 2026-01-21. Review status: criteria provided, single submitter. Criteria: LabCorp Variant Classification Summary - May 2015. Collection method: clinical testing. Allele origin: germline.
Comment: Variant summary: MEN1 c.1618C>T (p.Pro540Ser) results in a non-conservative amino acid change in the encoded protein sequence. Algorithms developed to predict the effect of missense changes on protein structure and function all suggest that this variant is likely to be disruptive. The variant allele was found at a frequency of 0.00011 in 250902 control chromosomes. The observed variant frequency exceeds the estimated maximal expected allele frequency for disease-causing variants in MEN1. c.1618C>T has been observed in individual(s) affected with MEN1 related conditions (e.g. Cuny_2013, Guerrero_2019) without evidence for causality. These report(s) do not provide unequivocal conclusions about association of the variant with Multiple Endocrine Neoplasia Type 1. To our knowledge, no experimental evidence demonstrating an impact on protein function has been reported. The following publications have been ascertained in the context of this evaluation (PMID: 23321498, 31431315). ClinVar contains an entry for this variant (Variation ID: 200987). Based on the evidence outlined above, the variant was classified as likely benign.

Mayo Clinic Laboratories, Mayo Clinic
Classification: Uncertain significance. Last evaluated: 2025-10-11. Review status: criteria provided, single submitter. Criteria: ACMG Guidelines, 2015. Collection method: clinical testing. Allele origin: germline. Observed: 1 variant allele.
Comment: PP2, PP3

PreventionGenetics, part of Exact Sciences
Classification: Likely benign for MEN1-related condition. Last evaluated: 2025-06-23. Review status: criteria provided, single submitter. Criteria: ACMG Guidelines, 2015. Collection method: clinical testing. Allele origin: germline.
Comment: This variant is classified as likely benign based on ACMG/AMP sequence variant interpretation guidelines (Richards et al. 2015 PMID: 25741868, with internal and published modifications).

Mendelics
Classification: Likely benign for Hereditary cancer. Last evaluated: 2025-02-27. Review status: criteria provided, single submitter. Criteria: ACMG Guidelines, 2015. Collection method: clinical testing. Allele origin: unknown.
Comment: This variant is considered likely benign or benign based on one or more of the following: it is predicted to be benign by multiple in silico algorithms, and/or has population frequency not consistent with disease, and/or has normal protein function, and/or has lack of segregation with disease, and/or has been detected in co-occurrence with known pathogenic variant, and/or has lack of disease association in case-control studies, and/or is located in a region inconsistent with a known cause of pathogenicity.

Blueprint Genetics
Classification: Likely benign. Last evaluated: 2024-05-06. Review status: criteria provided, single submitter. Criteria: ACMG Guidelines, 2015. Collection method: clinical testing. Allele origin: germline.

Quest Diagnostics Nichols Institute San Juan Capistrano
Classification: Likely benign. Last evaluated: 2023-10-27. Review status: criteria provided, single submitter. Criteria: Quest Diagnostics criteria. Collection method: clinical testing. Allele origin: unknown.

Color Diagnostics, LLC DBA Color Health
Classification: Likely benign for Multiple endocrine neoplasia, type 1. Last evaluated: 2023-03-02. Review status: criteria provided, single submitter. Criteria: ACMG Guidelines, 2015. Collection method: clinical testing. Allele origin: germline.

Sema4
Classification: Uncertain significance for Hereditary cancer-predisposing syndrome. Last evaluated: 2021-08-10. Review status: criteria provided, single submitter. Criteria: Sema4 Curation Guidelines. Collection method: curation. Allele origin: germline.
Comment: The MEN1 c.1618C>T (p.P540S) variant has been reported in several individuals with features of multiple endocrine neoplasia type 1, including pheochromocytoma, pituitary adenoma, and/or hyperparathyroidism (PMID: 12652570, 23321498, 31431315, 34313384, 32761341). However, it has also been reported in individuals without clinical features of multiple endocrine neoplasia (PMID: 30755392, 34313384). It was observed in 19/35416 chromosomes of the Latino subpopulation, with no homozygotes, in the Genome Aggregation Database (PMID: 32461654).The variant has been reported in ClinVar (Variation ID 200987). Functional studies have not been performed, and in silico predictions of the variant's effect on protein function are inconclusive. The evidence is insufficient to meet ACMG/AMP criteria for classifying the variant as benign or pathogenic. Thus, the clinical significance of this variant is currently uncertain.

Ambry Genetics
Classification: Likely benign for Hereditary cancer-predisposing syndrome. Last evaluated: 2021-04-01. Review status: criteria provided, single submitter. Criteria: Ambry Variant Classification Scheme 2023. Collection method: clinical testing. Allele origin: germline.

Revvity Omics, Revvity
Classification: Uncertain significance for Multiple endocrine neoplasia, type 1. Last evaluated: 2020-07-31. Review status: criteria provided, single submitter. Criteria: ACMG Guidelines, 2015. Collection method: clinical testing. Allele origin: germline.

CeGaT Center for Human Genetics Tuebingen
Classification: Uncertain significance. Last evaluated: 2019-09-01. Review status: criteria provided, single submitter. Criteria: CeGaT Center For Human Genetics Tuebingen Variant Classification Criteria Version 2. Collection method: clinical testing. Allele origin: germline. Affected: yes. Observed: 1 variant allele.

Illumina Laboratory Services, Illumina
Classification: Uncertain significance for Multiple endocrine neoplasia, type 1. Last evaluated: 2019-07-29. Review status: criteria provided, single submitter. Criteria: ICSL Variant Classification Criteria 13 December 2019. Collection method: clinical testing. Allele origin: germline.
Comment: This variant was observed as part of a predisposition screen in an ostensibly healthy population. A literature search was performed for the gene, cDNA change, and amino acid change (where applicable). Publications were found based on this search. However, the evidence from the literature, in combination with allele frequency data from public databases where available, was not sufficient to rule this variant in or out of causing disease. Therefore, this variant is classified as a variant of unknown significance.

Illumina Laboratory Services, Illumina
Classification: Uncertain significance for Hyperparathyroidism. Last evaluated: 2019-07-29. Review status: criteria provided, single submitter. Criteria: ICSL Variant Classification Criteria 13 December 2019. Collection method: clinical testing. Allele origin: germline.

Eurofins Ntd Llc (ga)
Classification: Uncertain significance. Last evaluated: 2016-01-08. Review status: criteria provided, single submitter. Criteria: EGL Classification Definitions 2015. Collection method: clinical testing. Allele origin: germline. Observed: 3 variant alleles, 3 heterozygotes.

Center for Personalized Medicine, Children's Hospital Los Angeles
Classification: Likely pathogenic. Last evaluated: 2018-11-19. Review status: flagged submission. Criteria: ACMG Guidelines, 2015. Collection method: clinical testing. Allele origin: germline. Affected: yes. Not counted in ClinVar's aggregate classification.
ClinVar note: Reason: Outlier claim with insufficient supporting evidence

Literature cited by the submitters: PubMed 12652570 (cited by 6 submitters); PubMed 23321498 (cited by 6 submitters); PubMed 31431315 (cited by 5 submitters); PubMed 32761341 (cited by 3 submitters); PubMed 34313384 (cited by 3 submitters); PubMed 30869828 (cited by Quest Diagnostics Nichols Institute San Juan Capistrano and Ambry Genetics); PubMed 32130200 (cited by Quest Diagnostics Nichols Institute San Juan Capistrano); PubMed 34939938 (cited by Quest Diagnostics Nichols Institute San Juan Capistrano); PubMed 30755392 (cited by Sema4).